The following is an entry in ClinVar:

ClinVar aggregate classification (germline): Uncertain significance. Review status: criteria provided, multiple submitters, no conflicts (2 of 4 stars). 2 submissions from 2 submitters: Uncertain significance (2). Last evaluated 2026-01-06.

Conditions:
Idiopathic Pulmonary Fibrosis. Also called: Idiopathic fibrosing alveolitis, chronic form; idiopathic fibrosing alveolitis. Identifiers: Orphanet 2032, MedGen C1800706, MeSH D054990, MONDO:0800504.
Dyskeratosis congenita, autosomal dominant 2. Identifiers: MedGen C3151443, MONDO:0013521, OMIM 613989.
Dyskeratosis congenita. Identifiers: Orphanet 1775, MedGen C0265965, MONDO:0015780.

Allele frequency attached by ClinVar (database versions not stated): gnomAD exomes below 0.00001; TOPMed below 0.00001; ExAC 0.00001.
gnomAD v4.1: 2 of 1,609,298 alleles (0.00012%); highest among the groups gnomAD compares: Non-Finnish European, 0.00017%; no homozygotes.

Submissions (2):

Labcorp Genetics (formerly Invitae), Labcorp
Classification: Uncertain significance for Dyskeratosis congenita, autosomal dominant 2; Idiopathic Pulmonary Fibrosis. Last evaluated: 2026-01-06. Review status: criteria provided, single submitter. Criteria: Invitae Variant Classification Sherloc (09022015). Collection method: clinical testing. Allele origin: germline.
Comment: This sequence change replaces lysine, which is basic and polar, with isoleucine, which is neutral and non-polar, at codon 881 of the TERT protein (p.Lys881Ile). This variant is present in population databases (rs751767277, gnomAD 0.0009%). This variant has not been reported in the literature in individuals affected with TERT-related conditions. ClinVar contains an entry for this variant (Variation ID: 998729). Invitae Evidence Modeling of protein sequence and biophysical properties (such as structural, functional, and spatial information, amino acid conservation, physicochemical variation, residue mobility, and thermodynamic stability) has been performed for this missense variant. However, the output from this modeling did not meet the statistical confidence thresholds required to predict the impact of this variant on TERT protein function. In summary, the available evidence is currently insufficient to determine the role of this variant in disease. Therefore, it has been classified as a Variant of Uncertain Significance.

Ambry Genetics
Classification: Uncertain significance for Dyskeratosis congenita. Last evaluated: 2023-09-01. Review status: criteria provided, single submitter. Criteria: Ambry Variant Classification Scheme 2023. Collection method: clinical testing. Allele origin: germline.
Comment: The p.K881I variant (also known as c.2642A>T), located in coding exon 10 of the TERT gene, results from an A to T substitution at nucleotide position 2642. The lysine at codon 881 is replaced by isoleucine, an amino acid with dissimilar properties. This amino acid position is conserved. In addition, the in silico prediction for this alteration is inconclusive. Since supporting evidence is limited at this time, the clinical significance of this alteration remains unclear.

NM_198253.3(TERT):c.2642A>T (p.Lys881Ile)

Gene: TERT (telomerase reverse transcriptase; minus strand). Cytogenetic location: 5p15.33.
Variant type: single nucleotide variant.
Coding change: c.2642A>T on transcript NM_198253.3 (MANE Select); coding-DNA position 2642, A replaced by T.
Protein change: p.Lys881Ile; replaces lysine 881 with isoleucine.
Molecular consequence: missense variant. On other transcripts: non-coding transcript variant (2).
Genome position (GRCh38, 1-based): chr5:1,266,476, T>A on the plus strand (A>T on the coding strand, the complement: TERT is on the minus strand). VCF-style: chr5-1266476-T-A. GRCh37 (hg19) VCF-style: chr5-1266591-T-A.
Other names: c.2642A>T, p.Lys881Ile (NM_001193376.3); c.2642A>T (NM_198253.2); short protein forms K881I.
Identifiers: ClinVar variation 998729 (VCV000998729.9), dbSNP rs751767277, ClinGen allele CA3184442.